The following is an entry in ClinVar:

ClinVar aggregate classification (germline): Uncertain significance (1 of 4 stars; one submission).

Conditions:
Spastic paraplegia. Identifiers: MedGen C0037772, HP:0001258.

Submission:

Labcorp Genetics (formerly Invitae), Labcorp
Classification: Uncertain significance for Spastic paraplegia. Last evaluated: 2021-07-30. Review status: criteria provided, single submitter. Criteria: Invitae Variant Classification Sherloc (09022015). Collection method: clinical testing. Allele origin: germline.
Comment: This variant has not been reported in the literature in individuals affected with KIF5A-related conditions. This variant is not present in population databases (ExAC no frequency). This sequence change replaces serine with alanine at codon 189 of the KIF5A protein (p.Ser189Ala). The serine residue is moderately conserved and there is a moderate physicochemical difference between serine and alanine. Advanced modeling of protein sequence and biophysical properties (such as structural, functional, and spatial information, amino acid conservation, physicochemical variation, residue mobility, and thermodynamic stability) performed at Invitae indicates that this missense variant is not expected to disrupt KIF5A protein function. In summary, the available evidence is currently insufficient to determine the role of this variant in disease. Therefore, it has been classified as a Variant of Uncertain Significance.

NM_004984.4(KIF5A):c.565T>G (p.Ser189Ala)

Gene: KIF5A (kinesin family member 5A; plus strand). Cytogenetic location: 12q13.3.
Variant type: single nucleotide variant.
Coding change: c.565T>G on transcript NM_004984.4 (MANE Select); coding-DNA position 565, T replaced by G.
Protein change: p.Ser189Ala; replaces serine 189 with alanine.
Molecular consequence: missense variant.
Genome position (GRCh38, 1-based): chr12:57,567,189, T>G. VCF-style: chr12-57567189-T-G. GRCh37 (hg19) VCF-style: chr12-57960972-T-G.
Other names: c.298T>G, p.Ser100Ala (NM_001354705.2); short protein forms S100A, S189A.
Identifiers: ClinVar variation 1445862 (VCV001445862.8), dbSNP rs2140161267, ClinGen allele CA385497913.